The following is an entry in ClinVar:

NM_000666.3(ACY1):c.348C>A (p.Cys116Ter)

Genes: ABHD14A-ACY1 (ABHD14A-ACY1 readthrough; plus strand), ACY1 (aminoacylase 1; plus strand). Cytogenetic location: 3p21.2.
Variant type: single nucleotide variant.
Coding change: c.348C>A on transcript NM_000666.3 (MANE Select); coding-DNA position 348, C replaced by A.
Protein change: p.Cys116Ter; replaces cysteine 116 with a stop codon.
Molecular consequence: nonsense. On other transcripts: intron variant (1).
Genome position (GRCh38, 1-based): chr3:51,985,935, C>A. VCF-style: chr3-51985935-C-A. GRCh37 (hg19) VCF-style: chr3-52019951-C-A.
Other names: c.618C>A, p.Cys206Ter (NM_001316331.2); c.348C>A, p.Cys116Ter (NM_001198895.2, NM_001198897.2); c.243C>A, p.Cys81Ter (NM_001198898.2); c.310+38C>A (NM_001198896.2); short protein forms C116*, C206*, C81*.
Identifiers: ClinVar variation 3382086 (VCV003382086.2).
Genomic context (GRCh38, chr3:51,985,935, plus strand): 5'-TGAGGCCTTCAAGGATTCTGAGGGCTACATCTATGCCAGGGGTGCCCAGGACATGAAGTG[C>A]GTCAGCATCCAGTGAGTGTCCTCCATTCCTACTCCTCCACAATGTCCCCACTGGTCCAGT-3'

ClinVar aggregate classification (germline): Uncertain significance (1 of 4 stars; one submission).

Conditions:
Aminoacylase 1 deficiency. Also called: Neurological conditions associated with aminoacylase 1 deficiency. Identifiers: Orphanet 137754, MedGen C1835922, MONDO:0012368, OMIM 609924.

gnomAD v4.1: 7 of 1,611,496 alleles (0.00043%); highest among the groups gnomAD compares: East Asian, 0.013%; no homozygotes.

Submission:

Juno Genomics, Hangzhou Juno Genomics, Inc
Classification: Uncertain significance for Aminoacylase 1 deficiency. Review status: criteria provided, single submitter. Criteria: ACMG Guidelines, 2015. Collection method: clinical testing. Allele origin: germline. Affected: yes.
Comment: Absent from controls (or at extremely low frequency if recessive) in Genome Aggregation Database, Exome Sequencing Project, 1000 Genomes Project, or Exome Aggregation Consortium.;Null variant in a gene where loss of function (LOF) is a known mechanism of disease.